The following is an entry in ClinVar:

ClinVar aggregate classification (germline): Uncertain significance (1 of 4 stars; one submission).

Conditions:
MYH7B-related disorder. Also called: MYH7B-related condition.

gnomAD v4.1: 1 of 1,613,146 alleles (0.000062%); highest among the groups gnomAD compares: Admixed American, 0.0017%; no homozygotes.

Submission:

PreventionGenetics, part of Exact Sciences
Classification: Uncertain significance for MYH7B-related condition. Last evaluated: 2025-04-02. Review status: criteria provided, single submitter. Criteria: ACMG Guidelines, 2015. Collection method: clinical testing. Allele origin: germline.
Comment: The MYH7B c.4282G>A variant is predicted to result in the amino acid substitution p.Ala1428Thr. To our knowledge, this variant has not been reported in the literature or in a large population database (gnomAD), indicating this variant is rare. At this time, the clinical significance of this variant is uncertain due to the absence of conclusive functional and genetic evidence.

NM_020884.7(MYH7B):c.4156G>A (p.Ala1386Thr)

Gene: MYH7B (myosin heavy chain 7B; plus strand). Cytogenetic location: 20q11.22.
Variant type: single nucleotide variant.
Coding change: c.4156G>A on transcript NM_020884.7 (MANE Select); coding-DNA position 4156, G replaced by A.
Protein change: p.Ala1386Thr; replaces alanine 1386 with threonine.
Molecular consequence: missense variant.
Genome position (GRCh38, 1-based): chr20:34,998,881, G>A. VCF-style: chr20-34998881-G-A. GRCh37 (hg19) VCF-style: chr20-33586684-G-A.
Other names: short protein forms A1386T.
Identifiers: ClinVar variation 4989734 (VCV004989734.1).